The following is an entry in ClinVar:

NM_000051.4(ATM):c.7865C>T (p.Ala2622Val)

Genes: ATM (ATM serine/threonine kinase; plus strand), C11orf65 (chromosome 11 open reading frame 65; minus strand). Cytogenetic location: 11q22.3.
Variant type: single nucleotide variant.
Coding change: c.7865C>T on transcript NM_000051.4 (MANE Select); coding-DNA position 7865, C replaced by T.
Protein change: p.Ala2622Val; replaces alanine 2622 with valine.
Molecular consequence: missense variant. On other transcripts: intron variant (2).
Genome position (GRCh38, 1-based): chr11:108,332,838, C>T. VCF-style: chr11-108332838-C-T. GRCh37 (hg19) VCF-style: chr11-108203565-C-T.
Other names: c.7865C>T, p.Ala2622Val (NM_001351834.2); c.641-23767G>A (NM_001330368.2); c.*38+2382G>A (NM_001351110.2); short protein forms A2622V.
Identifiers: ClinVar variation 449346 (VCV000449346.42), dbSNP rs766351395, ClinGen allele CA382561402.

ClinVar aggregate classification (germline): Pathogenic/Likely pathogenic. Review status: criteria provided, multiple submitters, no conflicts (2 of 4 stars). 6 submissions from 6 submitters: Pathogenic (4); Likely pathogenic (1). 1 of the submissions does not count toward it. Last evaluated 2026-05-29.

Conditions:
Hereditary cancer-predisposing syndrome. Also called: Neoplastic Syndromes, Hereditary; Hereditary Cancer Syndrome; Tumor predisposition; Hereditary neoplastic syndrome. Identifiers: Orphanet 140162, MedGen C0027672, MeSH D009386, MONDO:0015356.
Tip-toe gait. Also called: Toe walking. Identifiers: MedGen C0427144, HP:0030051.
Ataxia-telangiectasia syndrome (AT). Also called: LOUIS-BAR SYNDROME; Cerebello-oculocutaneous telangiectasia; Immunodeficiency with ataxia telangiectasia; Ataxia-telangiectasia, complementation group D; AT, COMPLEMENTATION GROUP C; Ataxia-telangiectasia, complementation group E. Identifiers: Orphanet 100, MedGen C0004135, MONDO:0008840, OMIM 208900.

Submissions (6):

Ambry Genetics
Classification: Pathogenic for Hereditary cancer-predisposing syndrome. Last evaluated: 2026-05-29. Review status: criteria provided, single submitter. Criteria: Ambry Variant Classification Scheme 2023. Collection method: clinical testing. Allele origin: germline.
Comment: The c.7865C>T pathogenic mutation (also known as p.A2622V), located in coding exon 52 of the ATM gene, results from a C to T substitution at nucleotide position 7865. The alanine at codon 2622 is replaced by valine, an amino acid with similar properties. This alteration has been detected in a homozygous state in multiple individuals with Ataxia Telangiectasia (Teraoka SN et al. Am. J. Hum. Genet., 1999 Jun;64:1617-31; Eng L et al. Hum. Mutat., 2004 Jan;23:67-76; Heinrich T et al. Eur. J. Pediatr., 2006 Apr;165:250-7; Aghamohammadi A et al. J Investig Allergol Clin Immunol, 2010;20:442-5). In silico splice site analysis predicts that this alteration will result in the creation or strengthening of a novel splice donor site. RNA analyses have shown that this alteration creates a new splice donor site, resulting in a deletion of 64 nucleotides from exon 52 and an out of frame transcript (Teraoka SN et al. Am. J. Hum. Genet., 1999 Jun;64:1617-31, Eng L et al. Hum. Mutat., 2004 Jan;23:67-76, Du L et al. Proc. Natl. Acad. Sci. U.S.A., 2007 Apr;104:6007-12, Ambry internal data). Based on the supporting evidence, this alteration is interpreted as a disease-causing mutation.

Natera, Inc.
Classification: Pathogenic for Ataxia-telangiectasia. Last evaluated: 2024-08-25. Review status: criteria provided, single submitter. Criteria: Natera Variant Classification Schema (03/2026). Collection method: clinical testing. Allele origin: germline.
Comment: The c.7865C>T variant in ATM is a missense variant predicted to cause substitution of alanine to valine at amino acid 2622. This variant is rare in the general population with a frequency below the threshold expected for the associated phenotype(s). This variant has been observed in one or more individuals affected with the associated recessive disease, as either homozygous or compound heterozygous with a second variant (PMID: 10330348, 16411093, 14695534). Functional studies show that this variant may disrupt protein function (PMID: 10330348). Given the available evidence, this variant is classified as Pathogenic.

Labcorp Genetics (formerly Invitae), Labcorp
Classification: Pathogenic for Ataxia-telangiectasia syndrome. Last evaluated: 2023-10-14. Review status: criteria provided, single submitter. Criteria: Invitae Variant Classification Sherloc (09022015). Collection method: clinical testing. Allele origin: germline.
Comment: This sequence change replaces alanine, which is neutral and non-polar, with valine, which is neutral and non-polar, at codon 2622 of the ATM protein (p.Ala2622Val). RNA analysis indicates that this missense change induces altered splicing and may result in an absent or disrupted protein product. This variant is not present in population databases (gnomAD no frequency). This missense change has been observed in individuals with ataxia-telangiectasia (PMID: 10330348, 14695534, 16411093, 18321536, 20945614). ClinVar contains an entry for this variant (Variation ID: 449346). An algorithm developed to predict the effect of missense changes on protein structure and function (PolyPhen-2) suggests that this variant is likely to be tolerated. Studies have shown that this missense change results in activation of a cryptic splice site and introduces a premature termination codon (PMID: 10330348, 14695534). The resulting mRNA is expected to undergo nonsense-mediated decay. For these reasons, this variant has been classified as Pathogenic.

CeGaT Center for Human Genetics Tuebingen
Classification: Likely pathogenic. Last evaluated: 2023-05-01. Review status: criteria provided, single submitter. Criteria: CeGaT Center For Human Genetics Tuebingen Variant Classification Criteria Version 2. Collection method: clinical testing. Allele origin: germline. Affected: yes. Observed: 1 variant allele.
Comment: ATM: PM2, PS4:Moderate, PP3, PS3:Supporting

GeneDx
Classification: Pathogenic. Last evaluated: 2022-11-23. Review status: criteria provided, single submitter. Criteria: GeneDx Variant Classification Process June 2021. Collection method: clinical testing. Allele origin: germline. Affected: yes.
Comment: Missense variant that results in aberrant splicing and a null allele in a gene for which loss of function is a known mechanism of disease (Bullrich et al., 1999; Teraoka et al., 1999; Du et al., 2007); Not observed at significant frequency in large population cohorts (gnomAD); In silico analysis supports that this missense variant does not alter protein structure/function; Also known as c.8250C>T; Missense variant that results in aberrant splicing and a null allele in a gene for which loss of function is a known mechanism of disease (Bullrich et al., 1999; Teraoka et al., 1999; Du et al., 2007); This variant is associated with the following publications: (PMID: 24568663, 33624863, 20945614, 16411093, 10330348, 14695534, 24506781, 18321536, 21576124, 17389389, 9892178, 34426522, 32899500)

Practice for Gait Abnormalities, David Pomarino, Competency Network Toe Walking C/o Practice Pomarino
Classification: Likely pathogenic for Tip-toe gait. Last evaluated: 2022-03-24. Review status: no assertion criteria provided. Collection method: clinical testing. Allele origin: germline. Affected: yes. Not counted in ClinVar's aggregate classification.
Comment: Gait disorder

Literature cited by the submitters: PubMed 10330348 (cited by 3 submitters); PubMed 14695534 (cited by 3 submitters); PubMed 16411093 (cited by 3 submitters); PubMed 17389389 (cited by Ambry Genetics); PubMed 20945614 (cited by Ambry Genetics and Labcorp Genetics (formerly Invitae), Labcorp); PubMed 9892178 (cited by Ambry Genetics); PubMed 18321536 (cited by Labcorp Genetics (formerly Invitae), Labcorp); PubMed 37091313 (cited by Practice for Gait Abnormalities, David Pomarino, Competency Network Toe Walking C/o Practice Pomarino).